The following is an entry in ClinVar:

NM_001942.4(DSG1):c.2536A>G (p.Thr846Ala)

Genes: DSG1 (desmoglein 1; plus strand), DSG1-AS1 (DSG1 antisense RNA 1; minus strand), LOC126862720 (MED14-independent group 3 enhancer GRCh37_chr18:28933613-28934812; plus strand). Cytogenetic location: 18q12.1.
Variant type: single nucleotide variant.
Coding change: c.2536A>G on transcript NM_001942.4 (MANE Select); coding-DNA position 2536, A replaced by G.
Protein change: p.Thr846Ala; replaces threonine 846 with alanine.
Molecular consequence: missense variant.
Genome position (GRCh38, 1-based): chr18:31,354,732, A>G. VCF-style: chr18-31354732-A-G. GRCh37 (hg19) VCF-style: chr18-28934695-A-G.
Other names: short protein forms T846A.
Identifiers: ClinVar variation 2867553 (VCV002867553.3), dbSNP rs957220787, ClinGen allele CA297704470.

ClinVar aggregate classification (germline): Uncertain significance (1 of 4 stars; one submission).

Allele frequency attached by ClinVar (database versions not stated): gnomAD exomes below 0.00001; TOPMed below 0.00001.

Submission:

Labcorp Genetics (formerly Invitae), Labcorp
Classification: Uncertain significance. Last evaluated: 2023-10-07. Review status: criteria provided, single submitter. Criteria: Invitae Variant Classification Sherloc (09022015). Collection method: clinical testing. Allele origin: germline.
Comment: This sequence change replaces threonine, which is neutral and polar, with alanine, which is neutral and non-polar, at codon 846 of the DSG1 protein (p.Thr846Ala). This variant is not present in population databases (gnomAD no frequency). This variant has not been reported in the literature in individuals affected with DSG1-related conditions. An algorithm developed to predict the effect of missense changes on protein structure and function (PolyPhen-2) suggests that this variant is likely to be tolerated. In summary, the available evidence is currently insufficient to determine the role of this variant in disease. Therefore, it has been classified as a Variant of Uncertain Significance.